The following is an entry in ClinVar:

ClinVar aggregate classification (germline): Uncertain significance (1 of 4 stars; one submission).

Submission:

Labcorp Genetics (formerly Invitae), Labcorp
Classification: Uncertain significance. Last evaluated: 2024-04-10. Review status: criteria provided, single submitter. Criteria: Invitae Variant Classification Sherloc (09022015). Collection method: clinical testing. Allele origin: germline.
Comment: This sequence change replaces arginine, which is basic and polar, with lysine, which is basic and polar, at codon 43 of the GABRB1 protein (p.Arg43Lys). This variant is not present in population databases (gnomAD no frequency). This variant has not been reported in the literature in individuals affected with GABRB1-related conditions. Advanced modeling of protein sequence and biophysical properties (such as structural, functional, and spatial information, amino acid conservation, physicochemical variation, residue mobility, and thermodynamic stability) performed at Invitae indicates that this missense variant is not expected to disrupt GABRB1 protein function with a negative predictive value of 95%. In summary, the available evidence is currently insufficient to determine the role of this variant in disease. Therefore, it has been classified as a Variant of Uncertain Significance.

NM_000812.4(GABRB1):c.128G>A (p.Arg43Lys)

Gene: GABRB1 (gamma-aminobutyric acid type A receptor subunit beta1; plus strand). Cytogenetic location: 4p12.
Variant type: single nucleotide variant.
Coding change: c.128G>A on transcript NM_000812.4 (MANE Select); coding-DNA position 128, G replaced by A.
Protein change: p.Arg43Lys; replaces arginine 43 with lysine.
Molecular consequence: missense variant.
Genome position (GRCh38, 1-based): chr4:47,031,961, G>A. VCF-style: chr4-47031961-G-A. GRCh37 (hg19) VCF-style: chr4-47033978-G-A.
Other names: short protein forms R43K.
Identifiers: ClinVar variation 3609629 (VCV003609629.2).